The following is an entry in ClinVar:

NM_032977.4(CASP10):c.380A>G (p.Asp127Gly)

Gene: CASP10 (caspase 10; plus strand). Cytogenetic location: 2q33.1.
Variant type: single nucleotide variant.
Coding change: c.380A>G on transcript NM_032977.4 (MANE Select); coding-DNA position 380, A replaced by G.
Protein change: p.Asp127Gly; replaces aspartic acid 127 with glycine.
Molecular consequence: missense variant.
Genome position (GRCh38, 1-based): chr2:201,187,738, A>G. VCF-style: chr2-201187738-A-G. GRCh37 (hg19) VCF-style: chr2-202052461-A-G.
Other names: c.380A>G, p.Asp127Gly (NM_001206524.2, NM_001206542.2, NM_001230.5 and 3 more transcripts); short protein forms D127G.
Identifiers: ClinVar variation 3754904 (VCV003754904.2).
Genomic context (GRCh38, chr2:201,187,738, plus strand): 5'-TATTTGTCATTTTGGGTGTGTGTCTTAGAAACCTGCTCTACGAACTGTCAGAAGGCATTG[A>G]CTCAGAGAACTTAAAGGACATGATCTTCCTTCTGAAAGACTCGCTTCCCAAAACTGAAAT-3'
Protein context (NP_116759.2, residues 117-137): NLLYELSEGI[Asp127Gly]SENLKDMIFL

ClinVar aggregate classification (germline): Uncertain significance (1 of 4 stars; one submission).

Conditions:
Autoimmune lymphoproliferative syndrome type 2A (ALPS2A). Also called: CASP10-Related Autoimmune Lymphoproliferative Syndrome; AUTOIMMUNE LYMPHOPROLIFERATIVE SYNDROME, TYPE IIA; Autoimmune lymphoproliferative syndrome type 2. Identifiers: Orphanet 3261, MedGen C1858968, MONDO:0011383, OMIM 603909.

Submission:

Labcorp Genetics (formerly Invitae), Labcorp
Classification: Uncertain significance for Autoimmune lymphoproliferative syndrome type 2A. Last evaluated: 2024-03-12. Review status: criteria provided, single submitter. Criteria: Invitae Variant Classification Sherloc (09022015). Collection method: clinical testing. Allele origin: germline.
Comment: This sequence change replaces aspartic acid, which is acidic and polar, with glycine, which is neutral and non-polar, at codon 127 of the CASP10 protein (p.Asp127Gly). This variant is not present in population databases (gnomAD no frequency). This variant has not been reported in the literature in individuals affected with CASP10-related conditions. Advanced modeling of protein sequence and biophysical properties (such as structural, functional, and spatial information, amino acid conservation, physicochemical variation, residue mobility, and thermodynamic stability) performed at Invitae indicates that this missense variant is not expected to disrupt CASP10 protein function with a negative predictive value of 80%. In summary, the available evidence is currently insufficient to determine the role of this variant in disease. Therefore, it has been classified as a Variant of Uncertain Significance.